The following is an entry in ClinVar:

NM_006343.3(MERTK):c.1868T>A (p.Leu623Ter)

Gene: MERTK (MER proto-oncogene, tyrosine kinase; plus strand). Cytogenetic location: 2q13.
Variant type: single nucleotide variant.
Coding change: c.1868T>A on transcript NM_006343.3 (MANE Select); coding-DNA position 1868, T replaced by A.
Protein change: p.Leu623Ter; replaces leucine 623 with a stop codon.
Molecular consequence: nonsense.
Genome position (GRCh38, 1-based): chr2:112,008,383, T>A. VCF-style: chr2-112008383-T-A. GRCh37 (hg19) VCF-style: chr2-112765960-T-A.
Other names: short protein forms L623*.
Identifiers: ClinVar variation 849628 (VCV000849628.10), dbSNP rs780007963, ClinGen allele CA348233056.

ClinVar aggregate classification (germline): Pathogenic. Review status: criteria provided, multiple submitters, no conflicts (2 of 4 stars). 2 submissions from 2 submitters: Pathogenic (2). Last evaluated 2022-07-06.

Conditions:
Retinitis pigmentosa (RP). Identifiers: Orphanet 791, MedGen C0035334, MeSH D012174, MONDO:0019200, OMIM 268000. Inheritance: Autosomal dominant, autosomal recessive and X linked inheritance.

Allele frequency attached by ClinVar (database versions not stated): TOPMed 0.00001.
gnomAD v4.1: 5 of 1,612,106 alleles (0.00031%); highest among the groups gnomAD compares: African/African-American, 0.0067%; no homozygotes.

Submissions (2):

Labcorp Genetics (formerly Invitae), Labcorp
Classification: Pathogenic. Last evaluated: 2022-07-06. Review status: criteria provided, single submitter. Criteria: Invitae Variant Classification Sherloc (09022015). Collection method: clinical testing. Allele origin: germline.
Comment: This variant is present in population databases (no rsID available, gnomAD 0.007%). This variant has not been reported in the literature in individuals affected with MERTK-related conditions. ClinVar contains an entry for this variant (Variation ID: 849628). For these reasons, this variant has been classified as Pathogenic. This sequence change creates a premature translational stop signal (p.Leu623*) in the MERTK gene. It is expected to result in an absent or disrupted protein product. Loss-of-function variants in MERTK are known to be pathogenic (PMID: 24265693, 29659094).

INSERM U1051, Institut des Neurosciences de Montpellier
Classification: Pathogenic for Retinitis pigmentosa. Last evaluated: 2020-06-24. Review status: criteria provided, single submitter. Criteria: ACMG Guidelines, 2015. Collection method: research. Allele origin: inherited. Affected: yes.

Literature cited by the submitters: PubMed 24265693 (cited by Labcorp Genetics (formerly Invitae), Labcorp); PubMed 29659094 (cited by Labcorp Genetics (formerly Invitae), Labcorp).